The following is an entry in ClinVar:

NM_018518.5(MCM10):c.2003A>G (p.Lys668Arg)

Gene: MCM10 (minichromosome maintenance 10 replication initiation factor; plus strand). Cytogenetic location: 10p13.
Variant type: single nucleotide variant.
Coding change: c.2003A>G on transcript NM_018518.5 (MANE Select); coding-DNA position 2003, A replaced by G.
Protein change: p.Lys668Arg; replaces lysine 668 with arginine.
Molecular consequence: missense variant.
Genome position (GRCh38, 1-based): chr10:13,197,651, A>G. VCF-style: chr10-13197651-A-G. GRCh37 (hg19) VCF-style: chr10-13239651-A-G.
Other names: c.2006A>G, p.Lys669Arg (NM_182751.3); short protein forms K668R, K669R.
Identifiers: ClinVar variation 2688317 (VCV002688317.2), dbSNP rs2274110, ClinGen allele CA5411697.
Genomic context (GRCh38, chr10:13,197,651, plus strand): 5'-TCTTTACCTCCCTCTCATTCCCTTTTTTCTAGTTAGCTGCTATCACCAAATTAAGGGCAA[A>G]AGGCCAGGTTCTTACAAAAACAAACCCAAACAGCATTAAGAAGAAACAAAAGGACCCTCA-3'
Protein context (NP_060988.3, residues 658-678): KLAAITKLRA[Lys668Arg]GQVLTKTNPN

ClinVar aggregate classification (germline): Benign (1 of 4 stars; one submission).

Allele frequency attached by ClinVar (database versions not stated): 1000 Genomes Project 30x 0.10775; 1000 Genomes Project 0.10923; gnomAD 0.12546; TOPMed 0.12617; ESP Exome Variant Server 0.13655; ExAC 0.14178; gnomAD exomes 0.16986.

Submission:

Unidad de Genómica Garrahan, Hospital de Pediatría Garrahan
Classification: Benign. Last evaluated: 2024-01-24. Review status: criteria provided, single submitter. Criteria: ACMG Guidelines, 2015. Collection method: clinical testing. Allele origin: germline. Affected: no. Observed: 21 variant alleles.
Comment: This variant is classified as Benign based on local population frequency. This variant was detected in 22% of patients studied by a panel of primary immunodeficiencies. Number of patients: 21. Only high quality variants are reported.